The following is an entry in ClinVar:

NM_003482.4(KMT2D):c.1259-13G>A

Gene: KMT2D (lysine methyltransferase 2D; minus strand). Cytogenetic location: 12q13.12.
Variant type: single nucleotide variant.
Coding change: c.1259-13G>A on transcript NM_003482.4 (MANE Select); 13 bases into the intron before coding-DNA position 1259, G replaced by A.
Molecular consequence: intron variant.
Genome position (GRCh38, 1-based): chr12:49,052,437, C>T on the plus strand (G>A on the coding strand, the complement: KMT2D is on the minus strand). VCF-style: chr12-49052437-C-T. GRCh37 (hg19) VCF-style: chr12-49446220-C-T.
Identifiers: ClinVar variation 309086 (VCV000309086.36), dbSNP rs373466438, ClinGen allele CA6548525.

ClinVar aggregate classification (germline): Benign/Likely benign. Review status: criteria provided, multiple submitters, no conflicts (2 of 4 stars). 4 submissions from 4 submitters: Benign (2); Likely benign (2). Last evaluated 2026-02-03.

Conditions:
Kabuki syndrome. Also called: NIIKAWA-KUROKI SYNDROME; Kabuki make-up syndrome. Identifiers: Orphanet 2322, MedGen C0796004, MONDO:0016512.

Allele frequency attached by ClinVar (database versions not stated): 1000 Genomes Project 0.00020; 1000 Genomes Project 30x 0.00031; TOPMed 0.00059; gnomAD 0.00071 and 0.00074; gnomAD exomes 0.00074; ExAC 0.00093; ESP Exome Variant Server 0.00097.
gnomAD v4.1: 1,179 of 1,542,058 alleles (0.076%); highest among the groups gnomAD compares: Non-Finnish European, 0.077%; 2 homozygotes.

Submissions (4):

Labcorp Genetics (formerly Invitae), Labcorp
Classification: Benign for Kabuki syndrome. Last evaluated: 2026-02-03. Review status: criteria provided, single submitter. Criteria: Invitae Variant Classification Sherloc (09022015). Collection method: clinical testing. Allele origin: germline.

Blueprint Genetics
Classification: Likely benign. Last evaluated: 2024-11-20. Review status: criteria provided, single submitter. Criteria: ACMG Guidelines, 2015. Collection method: clinical testing. Allele origin: germline.

CeGaT Center for Human Genetics Tuebingen
Classification: Likely benign. Last evaluated: 2023-02-01. Review status: criteria provided, single submitter. Criteria: CeGaT Center For Human Genetics Tuebingen Variant Classification Criteria Version 2. Collection method: clinical testing. Allele origin: germline. Affected: yes. Observed: 2 variant alleles.
Comment: KMT2D: BS1

GeneDx
Classification: Benign. Last evaluated: 2020-03-12. Review status: criteria provided, single submitter. Criteria: GeneDx Variant Classification Process June 2021. Collection method: clinical testing. Allele origin: germline. Affected: yes.